The following is an entry in ClinVar:

NM_025103.4(IFT74):c.466-2A>G

Gene: IFT74 (intraflagellar transport 74; plus strand). Cytogenetic location: 9p21.2.
Variant type: single nucleotide variant.
Coding change: c.466-2A>G on transcript NM_025103.4 (MANE Select); the canonical splice acceptor site of the intron before coding-DNA position 466, A replaced by G.
Molecular consequence: splice acceptor variant.
Genome position (GRCh38, 1-based): chr9:26,988,667, A>G. VCF-style: chr9-26988667-A-G. GRCh37 (hg19) VCF-style: chr9-26988665-A-G.
Other names: c.466-2A>G (NM_001099223.3, NM_001099222.3, NM_001349928.2 and 1 more transcripts).
Identifiers: ClinVar variation 2105844 (VCV002105844.4), dbSNP rs762790577, ClinGen allele CA373129411.

ClinVar aggregate classification (germline): Likely pathogenic (1 of 4 stars; one submission).

Submission:

Labcorp Genetics (formerly Invitae), Labcorp
Classification: Likely pathogenic. Last evaluated: 2022-06-17. Review status: criteria provided, single submitter. Criteria: Invitae Variant Classification Sherloc (09022015). Collection method: clinical testing. Allele origin: germline.
Comment: In summary, the currently available evidence indicates that the variant is pathogenic, but additional data are needed to prove that conclusively. Therefore, this variant has been classified as Likely Pathogenic. Algorithms developed to predict the effect of sequence changes on RNA splicing suggest that this variant may disrupt the consensus splice site. This variant has not been reported in the literature in individuals affected with IFT74-related conditions. This variant is not present in population databases (gnomAD no frequency). This sequence change affects an acceptor splice site in intron 6 of the IFT74 gene. It is expected to disrupt RNA splicing. Variants that disrupt the donor or acceptor splice site typically lead to a loss of protein function (PMID: 16199547), and loss-of-function variants in IFT74 are known to be pathogenic (PMID: 33531668).

Literature cited by the submitters: PubMed 16199547; PubMed 33531668.